The following is an entry in ClinVar:

ClinVar aggregate classification (germline): Uncertain significance. Review status: criteria provided, multiple submitters, no conflicts (2 of 4 stars). 2 submissions from 2 submitters: Uncertain significance (2). Last evaluated 2021-11-06.

Submissions (2):

Labcorp Genetics (formerly Invitae), Labcorp
Classification: Uncertain significance. Last evaluated: 2021-11-06. Review status: criteria provided, single submitter. Criteria: Invitae Variant Classification Sherloc (09022015). Collection method: clinical testing. Allele origin: germline.
Comment: In summary, the available evidence is currently insufficient to determine the role of this variant in disease. Therefore, it has been classified as a Variant of Uncertain Significance. Algorithms developed to predict the effect of missense changes on protein structure and function are either unavailable or do not agree on the potential impact of this missense change (SIFT: "Deleterious"; PolyPhen-2: "Probably Damaging"; Align-GVGD: "Class C0"). This missense change has been observed in individual(s) with exudative vitreoretinopathy (Invitae). This variant is not present in population databases (gnomAD no frequency). This sequence change replaces leucine, which is neutral and non-polar, with proline, which is neutral and non-polar, at codon 15 of the NDP protein (p.Leu15Pro).

Revvity Omics, Revvity
Classification: Uncertain significance. Last evaluated: 2021-10-08. Review status: criteria provided, single submitter. Criteria: ACMG Guidelines, 2015. Collection method: clinical testing. Allele origin: germline.

NM_000266.4(NDP):c.44T>C (p.Leu15Pro)

Genes: NDP (norrin cystine knot growth factor NDP; minus strand), NDP-AS1 (NDP antisense RNA 1; plus strand). Cytogenetic location: Xp11.3.
Variant type: single nucleotide variant.
Coding change: c.44T>C on transcript NM_000266.4 (MANE Select); coding-DNA position 44, T replaced by C.
Protein change: p.Leu15Pro; replaces leucine 15 with proline.
Molecular consequence: missense variant.
Genome position (GRCh38, 1-based): chrX:43,958,602, A>G on the plus strand (T>C on the coding strand, the complement: NDP is on the minus strand). VCF-style: chrX-43958602-A-G. GRCh37 (hg19) VCF-style: chrX-43817848-A-G.
Other names: short protein forms L15P.
Identifiers: ClinVar variation 1391741 (VCV001391741.8), dbSNP rs1602067068, ClinGen allele CA413009232.
Genomic context (GRCh38, chrX:43,958,602, plus strand): 5'-TCCGAGTCCATTATGAATGAGCTGTCCGTTTTACTGTCTGTATCTCCCATTATCACCAGC[A>G]GGGAGAGCATAGAAAAGGATGCAGCTAGTACATGTTTTCTCATTGTTGTAAGGAAAAACT-3'
Protein context (NP_000257.1, residues 5-25): VLAASFSMLS[Leu15Pro]LVIMGDTDSK